The following is an entry in ClinVar:

ClinVar aggregate classification (germline): Uncertain significance (1 of 4 stars; one submission).

Submission:

Labcorp Genetics (formerly Invitae), Labcorp
Classification: Uncertain significance. Last evaluated: 2022-06-01. Review status: criteria provided, single submitter. Criteria: Invitae Variant Classification Sherloc (09022015). Collection method: clinical testing. Allele origin: germline.
Comment: In summary, the available evidence is currently insufficient to determine the role of this variant in disease. Therefore, it has been classified as a Variant of Uncertain Significance. Algorithms developed to predict the effect of missense changes on protein structure and function are either unavailable or do not agree on the potential impact of this missense change (SIFT: "Not Available"; PolyPhen-2: "Probably Damaging"; Align-GVGD: "Not Available"). This variant has not been reported in the literature in individuals affected with CEP250-related conditions. This variant is not present in population databases (gnomAD no frequency). This sequence change replaces glutamine, which is neutral and polar, with histidine, which is basic and polar, at codon 30 of the CEP250 protein (p.Gln30His).

NM_007186.6(CEP250):c.90G>C (p.Gln30His)

Gene: CEP250 (centrosomal protein 250; plus strand). Cytogenetic location: 20q11.22.
Variant type: single nucleotide variant.
Coding change: c.90G>C on transcript NM_007186.6 (MANE Select); coding-DNA position 90, G replaced by C.
Protein change: p.Gln30His; replaces glutamine 30 with histidine.
Molecular consequence: missense variant. On other transcripts: 5 prime UTR variant (1).
Genome position (GRCh38, 1-based): chr20:35,462,457, G>C. VCF-style: chr20-35462457-G-C. GRCh37 (hg19) VCF-style: chr20-34050282-G-C.
Other names: c.-1810G>C (NM_001318219.1); short protein forms Q30H.
Identifiers: ClinVar variation 2001760 (VCV002001760.4), dbSNP rs2062776814, ClinGen allele CA408751448.
Genomic context (GRCh38, chr20:35,462,457, plus strand): 5'-CATGAAGCCCCAGTCACTGCAGCTGGTACTGGAAGAGCAGGTGCTGGCACTACAGCAGCA[G>C]ATGGCAGAGAATCAGGCAGCCTCCTGGCGGAAGCTGAAGAACTCCCAGGAGGCCCAGCAG-3'
Protein context (NP_009117.2, residues 20-40): LEEQVLALQQ[Gln30His]MAENQAASWR